The following is an entry in ClinVar:

ClinVar aggregate classification (germline): Uncertain significance. Review status: criteria provided, multiple submitters, no conflicts (2 of 4 stars). 4 submissions from 4 submitters: Uncertain significance (4). Last evaluated 2025-08-24.

Conditions:
Inborn genetic diseases. Identifiers: MedGen C0950123, MeSH D030342.

Allele frequency attached by ClinVar (database versions not stated): 1000 Genomes Project 0.00020; TOPMed 0.00004; gnomAD 0.00005; 1000 Genomes Project 30x 0.00016; ExAC 0.00001; gnomAD exomes 0.00001.
gnomAD v4.1: 32 of 1,614,176 alleles (0.002%); highest among the groups gnomAD compares: Middle Eastern, 0.016%; no homozygotes.

Submissions (4):

Ambry Genetics
Classification: Uncertain significance for Inborn genetic diseases. Last evaluated: 2025-08-24. Review status: criteria provided, single submitter. Criteria: Ambry Variant Classification Scheme 2023. Collection method: clinical testing. Allele origin: germline.

GeneDx
Classification: Uncertain significance. Last evaluated: 2025-08-11. Review status: criteria provided, single submitter. Criteria: GeneDx Variant Classification Process June 2021. Collection method: clinical testing. Allele origin: germline. Affected: yes.
Comment: In silico analysis suggests that this missense variant does not alter protein structure/function; Occurs in the triple helical domain at the Y position in the canonical Gly-X-Y repeat; although this variant may have an effect on normal protein folding and function, missense substitution at the Y position is not a common mechanism of disease; Has not been previously published as pathogenic or benign to our knowledge

Labcorp Genetics (formerly Invitae), Labcorp
Classification: Uncertain significance. Last evaluated: 2022-08-12. Review status: criteria provided, single submitter. Criteria: Invitae Variant Classification Sherloc (09022015). Collection method: clinical testing. Allele origin: germline.
Comment: This sequence change replaces arginine, which is basic and polar, with histidine, which is basic and polar, at codon 1345 of the COL4A3 protein (p.Arg1345His). This variant is present in population databases (rs553185617, gnomAD 0.004%). This variant has not been reported in the literature in individuals affected with COL4A3-related conditions. ClinVar contains an entry for this variant (Variation ID: 1314522). Advanced modeling of protein sequence and biophysical properties (such as structural, functional, and spatial information, amino acid conservation, physicochemical variation, residue mobility, and thermodynamic stability) performed at Invitae indicates that this missense variant is not expected to disrupt COL4A3 protein function. In summary, the available evidence is currently insufficient to determine the role of this variant in disease. Therefore, it has been classified as a Variant of Uncertain Significance.

Mayo Clinic Laboratories, Mayo Clinic
Classification: Uncertain significance. Last evaluated: 2022-06-29. Review status: criteria provided, single submitter. Criteria: ACMG Guidelines, 2015. Collection method: clinical testing. Allele origin: germline. Observed: 1 variant allele.
Comment: PM2

NM_000091.5(COL4A3):c.4034G>A (p.Arg1345His)

Genes: COL4A3 (collagen type IV alpha 3 chain; plus strand), MFF-DT (MFF divergent transcript; minus strand). Cytogenetic location: 2q36.3.
Variant type: single nucleotide variant.
Coding change: c.4034G>A on transcript NM_000091.5 (MANE Select); coding-DNA position 4034, G replaced by A.
Protein change: p.Arg1345His; replaces arginine 1345 with histidine.
Molecular consequence: missense variant.
Genome position (GRCh38, 1-based): chr2:227,304,025, G>A. VCF-style: chr2-227304025-G-A. GRCh37 (hg19) VCF-style: chr2-228168741-G-A.
Other names: p.Arg1345His; short protein forms R1345H.
Identifiers: ClinVar variation 1314522 (VCV001314522.8), dbSNP rs553185617, ClinGen allele CA2147438.
Genomic context (GRCh38, chr2:227,304,025, plus strand): 5'-GAAAGGTAACACATCCGTGAGGCCATCATCTTCTTCTTATGTTTATGTCAACAGGTGTAC[G>A]TGGAGACCCTGGCACACTTAAGATTATCTCCCTTCCAGGAAGCCCAGGGCCACCTGGCAC-3'
Protein context (NP_000082.2, residues 1335-1355): PIGPKGPPGV[Arg1345His]GDPGTLKIIS